The following is an entry in ClinVar:

ClinVar aggregate classification (germline): Uncertain significance. Review status: criteria provided, multiple submitters, no conflicts (2 of 4 stars). 3 submissions from 3 submitters: Uncertain significance (3). Last evaluated 2025-10-01.

Conditions:
Asphyxiating thoracic dystrophy 3. Also called: SHORT-RIB THORACIC DYSPLASIA 3 WITH OR WITHOUT POLYDACTYLY; POLYDACTYLY WITH NEONATAL CHONDRODYSTROPHY, TYPE I; SHORT-RIB THORACIC DYSPLASIA 3/6 WITH POLYDACTYLY, DIGENIC; Short rib polydactyly syndrome 2B; Saldino-Noonan Syndrome. Identifiers: Orphanet 474, Orphanet 93269, Orphanet 93270, Orphanet 93271, MedGen C0036069, MONDO:0013127, OMIM 613091.

Allele frequency attached by ClinVar (database versions not stated): gnomAD 0.00001.
gnomAD v4.1: 1 of 1,613,306 alleles (0.000062%); highest among the groups gnomAD compares: East Asian, 0.0022%; no homozygotes.

Submissions (3):

GeneDx
Classification: Uncertain significance. Last evaluated: 2025-10-01. Review status: criteria provided, single submitter. Criteria: GeneDx Variant Classification Process June 2021. Collection method: clinical testing. Allele origin: germline. Affected: yes.
Comment: Not observed at significant frequency in large population cohorts (gnomAD); In silico analysis supports that this missense variant has a deleterious effect on protein structure/function; Has not been previously published as pathogenic or benign to our knowledge

ARUP Laboratories, Molecular Genetics and Genomics, ARUP Laboratories
Classification: Uncertain significance for Asphyxiating thoracic dystrophy 3. Last evaluated: 2023-09-05. Review status: criteria provided, single submitter. Criteria: ARUP Molecular Germline Variant Investigation Process 2024. Collection method: clinical testing. Allele origin: germline.
Comment: The DYNC2H1 c.5930T>C; p.Ile1977Thr variant, to our knowledge, is not reported in the medical literature but is reported in ClinVar (Variation ID: 1320477). This variant is absent from the Genome Aggregation Database, indicating it is not a common polymorphism. Computational analyses are uncertain whether this variant is neutral or deleterious (REVEL: 0.672). Due to limited information, the clinical significance of this variant is uncertain at this time.

Kasturba Medical College, Manipal, Kasturba Medical College, Manipal, Manipal Academy of Higher Education, Manipal, India
Classification: Uncertain significance for Asphyxiating thoracic dystrophy 3. Review status: criteria provided, single submitter. Criteria: ACMG Guidelines, 2015. Collection method: clinical testing. Allele origin: de novo. Affected: yes.

NM_001377.3(DYNC2H1):c.5930T>C (p.Ile1977Thr)

Gene: DYNC2H1 (dynein cytoplasmic 2 heavy chain 1; plus strand). Cytogenetic location: 11q22.3.
Variant type: single nucleotide variant.
Coding change: c.5930T>C on transcript NM_001377.3 (MANE Select); coding-DNA position 5930, T replaced by C.
Protein change: p.Ile1977Thr; replaces isoleucine 1977 with threonine.
Molecular consequence: missense variant.
Genome position (GRCh38, 1-based): chr11:103,177,611, T>C. VCF-style: chr11-103177611-T-C. GRCh37 (hg19) VCF-style: chr11-103048340-T-C.
Other names: c.5930T>C, p.Ile1977Thr (NM_001080463.2); short protein forms I1977T.
Identifiers: ClinVar variation 1320477 (VCV001320477.8), dbSNP rs2134994345, ClinGen allele CA382245872.